The following is an entry in ClinVar:

NM_133459.4(CCBE1):c.1111C>T (p.Pro371Ser)

Gene: CCBE1 (collagen and calcium binding EGF domains 1; minus strand). Cytogenetic location: 18q21.32.
Variant type: single nucleotide variant.
Coding change: c.1111C>T on transcript NM_133459.4 (MANE Select); coding-DNA position 1111, C replaced by T.
Protein change: p.Pro371Ser; replaces proline 371 with serine.
Molecular consequence: missense variant.
Genome position (GRCh38, 1-based): chr18:59,436,018, G>A on the plus strand (C>T on the coding strand, the complement: CCBE1 is on the minus strand). VCF-style: chr18-59436018-G-A. GRCh37 (hg19) VCF-style: chr18-57103250-G-A.
Other names: short protein forms P371S.
Identifiers: ClinVar variation 2135816 (VCV002135816.4), dbSNP rs1183099341, ClinGen allele CA402594044.
Genomic context (GRCh38, chr18:59,436,018, plus strand): 5'-TTGGATGGTCATCTCCAGAGCCCAGGTCCATGGCTTCTGGGTAGCTGGGAAATTCCTGAG[G>A]TAAAGGGAACTCCTCTGCTGAAGAGTGAGTCCGGTGCCCGAACACCTTTTCCTGCAGCTC-3'
Protein context (NP_597716.1, residues 361-381): THSSAEEFPL[Pro371Ser]QEFPSYPEAM

ClinVar aggregate classification (germline): Uncertain significance (1 of 4 stars; one submission).

Allele frequency attached by ClinVar (database versions not stated): TOPMed 0.00001; gnomAD 0.00001; gnomAD exomes 0.00001.

Submission:

Labcorp Genetics (formerly Invitae), Labcorp
Classification: Uncertain significance. Last evaluated: 2022-08-16. Review status: criteria provided, single submitter. Criteria: Invitae Variant Classification Sherloc (09022015). Collection method: clinical testing. Allele origin: germline.
Comment: In summary, the available evidence is currently insufficient to determine the role of this variant in disease. Therefore, it has been classified as a Variant of Uncertain Significance. Algorithms developed to predict the effect of missense changes on protein structure and function are either unavailable or do not agree on the potential impact of this missense change (SIFT: "Deleterious"; PolyPhen-2: "Possibly Damaging"; Align-GVGD: "Class C0"). This variant has not been reported in the literature in individuals affected with CCBE1-related conditions. This variant is present in population databases (no rsID available, gnomAD 0.0009%). This sequence change replaces proline, which is neutral and non-polar, with serine, which is neutral and polar, at codon 371 of the CCBE1 protein (p.Pro371Ser).